The following is an entry in ClinVar:

ClinVar aggregate classification (germline): Uncertain significance. Review status: criteria provided, multiple submitters, no conflicts (2 of 4 stars). 2 submissions from 2 submitters: Uncertain significance (2). Last evaluated 2024-11-25.

Submissions (2):

Labcorp Genetics (formerly Invitae), Labcorp
Classification: Uncertain significance. Last evaluated: 2024-11-25. Review status: criteria provided, single submitter. Criteria: Invitae Variant Classification Sherloc (09022015). Collection method: clinical testing. Allele origin: germline.
Comment: This sequence change replaces leucine, which is neutral and non-polar, with valine, which is neutral and non-polar, at codon 512 of the LRP5 protein (p.Leu512Val). This variant is not present in population databases (gnomAD no frequency). This variant has not been reported in the literature in individuals affected with LRP5-related conditions. ClinVar contains an entry for this variant (Variation ID: 1475493). Invitae Evidence Modeling of protein sequence and biophysical properties (such as structural, functional, and spatial information, amino acid conservation, physicochemical variation, residue mobility, and thermodynamic stability) indicates that this missense variant is not expected to disrupt LRP5 protein function with a negative predictive value of 95%. In summary, the available evidence is currently insufficient to determine the role of this variant in disease. Therefore, it has been classified as a Variant of Uncertain Significance.

Blueprint Genetics
Classification: Uncertain significance. Last evaluated: 2024-07-23. Review status: criteria provided, single submitter. Criteria: ACMG Guidelines, 2015. Collection method: clinical testing. Allele origin: germline.

NM_002335.4(LRP5):c.1534C>G (p.Leu512Val)

Gene: LRP5 (LDL receptor related protein 5; plus strand). Cytogenetic location: 11q13.2.
Variant type: single nucleotide variant.
Coding change: c.1534C>G on transcript NM_002335.4 (MANE Select); coding-DNA position 1534, C replaced by G.
Protein change: p.Leu512Val; replaces leucine 512 with valine.
Molecular consequence: missense variant. On other transcripts: intron variant (1).
Genome position (GRCh38, 1-based): chr11:68,390,002, C>G. VCF-style: chr11-68390002-C-G. GRCh37 (hg19) VCF-style: chr11-68157470-C-G.
Other names: c.-354+3290C>G (NM_001291902.2); short protein forms L512V.
Identifiers: ClinVar variation 1475493 (VCV001475493.7), dbSNP rs2153155411, ClinGen allele CA381613222.